The following is an entry in ClinVar:

ClinVar aggregate classification (germline): Uncertain significance (1 of 4 stars; one submission).

Submission:

CeGaT Center for Human Genetics Tuebingen
Classification: Uncertain significance. Last evaluated: 2023-09-01. Review status: criteria provided, single submitter. Criteria: CeGaT Center For Human Genetics Tuebingen Variant Classification Criteria Version 2. Collection method: clinical testing. Allele origin: germline. Affected: yes. Observed: 1 variant allele.
Comment: CHRDL1: PM2

NM_001143981.2(CHRDL1):c.929A>T (p.Lys310Met)

Gene: CHRDL1 (chordin like 1; minus strand). Cytogenetic location: Xq23.
Variant type: single nucleotide variant.
Coding change: c.929A>T on transcript NM_001143981.2 (MANE Select); coding-DNA position 929, A replaced by T.
Protein change: p.Lys310Met; replaces lysine 310 with methionine.
Molecular consequence: missense variant. On other transcripts: non-coding transcript variant (1).
Genome position (GRCh38, 1-based): chrX:110,688,653, T>A on the plus strand (A>T on the coding strand, the complement: CHRDL1 is on the minus strand). VCF-style: chrX-110688653-T-A. GRCh37 (hg19) VCF-style: chrX-109931881-T-A.
Other names: c.926A>T, p.Lys309Met (NM_001143982.2, NM_001367207.1, NM_145234.4); c.689A>T, p.Lys230Met (NM_001143983.3); c.929A>T, p.Lys310Met (NM_001367204.1, NM_001367205.1, NM_001367206.1 and 2 more transcripts); short protein forms K230M, K309M, K310M.
Identifiers: ClinVar variation 2661198 (VCV002661198.24), dbSNP rs2523120623, ClinGen allele CA414229267.